The following is an entry in ClinVar:

ClinVar aggregate classification (germline): Likely pathogenic (1 of 4 stars; one submission).

Conditions:
Lamellar ichthyosis. Identifiers: Orphanet 313, MedGen C5848247, MONDO:0017778.

gnomAD v4.1: 2 of 1,606,288 alleles (0.00012%); highest among the groups gnomAD compares: African/African-American, 0.0013%; no homozygotes.

Submission:

Women's Health and Genetics/Laboratory Corporation of America, LabCorp
Classification: Likely pathogenic for Lamellar ichthyosis. Last evaluated: 2025-09-15. Review status: criteria provided, single submitter. Criteria: LabCorp Variant Classification Summary - May 2015. Collection method: clinical testing. Allele origin: germline.
Comment: Variant summary: ABCA12 c.1657+1G>A is located in a canonical splice-site and is predicted to affect mRNA splicing resulting in a significantly altered protein due to either exon skipping, shortening, or inclusion of intronic material. Variants that disrupt the consensus splice site are a relatively common cause of aberrant splicing and loss of ABCA12 function. Several computational tools predict a significant impact on normal splicing: Two predict the variant abolishes a canonical 5' splicing donor site. However, these predictions have yet to be confirmed by functional studies. The variant allele was found at a frequency of 4e-06 in 251212 control chromosomes. To our knowledge, no occurrence of c.1657+1G>A in individuals affected with ABCA12-related conditions and no experimental evidence demonstrating its impact on protein function have been reported. No submitters have cited clinical-significance assessments for this variant to ClinVar. Based on the evidence outlined above, the variant was classified as likely pathogenic.

NM_173076.3(ABCA12):c.1657+1G>A

Gene: ABCA12 (ATP binding cassette subfamily A member 12; minus strand). Cytogenetic location: 2q35.
Variant type: single nucleotide variant.
Coding change: c.1657+1G>A on transcript NM_173076.3 (MANE Select); the canonical splice donor site of the intron after coding-DNA position 1657, G replaced by A.
Molecular consequence: splice donor variant.
Genome position (GRCh38, 1-based): chr2:215,019,335, C>T on the plus strand (G>A on the coding strand, the complement: ABCA12 is on the minus strand). VCF-style: chr2-215019335-C-T. GRCh37 (hg19) VCF-style: chr2-215884059-C-T.
Other names: c.703+1G>A (NM_015657.4).
Identifiers: ClinVar variation 4535539 (VCV004535539.1).
Genomic context (GRCh38, chr2:215,019,335, plus strand): 5'-GCAGCGTGAGAATCACATGCATTCTAATAAGACAAGATTTAAAATGTGGATGGGGAAACA[C>T]CTGGCTTTTCAGAAGCATCTGCACTGTTATTGACATGCAGCATGGCTTCTATGATCGGTA-3'